The following is an entry in ClinVar:

NM_001368809.2(AMPD2):c.1252G>A (p.Val418Met)

Genes: AMPD2 (adenosine monophosphate deaminase 2; plus strand), LOC126805822 (BRD4-independent group 4 enhancer GRCh37_chr1:110170748-110171947; plus strand). Cytogenetic location: 1p13.3.
Variant type: single nucleotide variant.
Coding change: c.1252G>A on transcript NM_001368809.2 (MANE Select); coding-DNA position 1252, G replaced by A.
Protein change: p.Val418Met; replaces valine 418 with methionine.
Molecular consequence: missense variant.
Genome position (GRCh38, 1-based): chr1:109,628,254, G>A. VCF-style: chr1-109628254-G-A. GRCh37 (hg19) VCF-style: chr1-110170876-G-A.
Other names: c.1060G>A, p.Val354Met (NM_001257361.2); c.1189G>A, p.Val397Met (NM_001308170.1); c.1252G>A, p.Val418Met (NM_004037.9); c.1171G>A, p.Val391Met (NM_139156.4); short protein forms V391M, V354M, V418M, V397M.
Identifiers: ClinVar variation 1360386 (VCV001360386.8), dbSNP rs2101165160, ClinGen allele CA341558298.
Genomic context (GRCh38, chr1:109,628,254, plus strand): 5'-CGTGAACAGACGCTGCGGGAGGTCTTTGAGAGCATGAATCTCACGGCCTACGACCTGAGT[G>A]TGGACACGCTGGATGTGCATGCGGTCTGTGCCAGTGGCGTGGGCTGTGGGACTGAGTCAG-3'
Protein context (NP_001355738.1, residues 408-428): SMNLTAYDLS[Val418Met]DTLDVHADRN

ClinVar aggregate classification (germline): Uncertain significance (1 of 4 stars; one submission).

Conditions:
Pontocerebellar hypoplasia type 9. Identifiers: Orphanet 369920, MedGen C4014354, MONDO:0014351, OMIM 615809.
Hereditary spastic paraplegia 63. Also called: Spastic paraplegia 63, autosomal recessive. Identifiers: Orphanet 401805, MedGen C3810295, MONDO:0014305, OMIM 615686.

Submission:

Labcorp Genetics (formerly Invitae), Labcorp
Classification: Uncertain significance for Pontocerebellar hypoplasia type 9; Hereditary spastic paraplegia 63. Last evaluated: 2021-06-12. Review status: criteria provided, single submitter. Criteria: Invitae Variant Classification Sherloc (09022015). Collection method: clinical testing. Allele origin: germline.
Comment: This variant has not been reported in the literature in individuals with AMPD2-related conditions. In summary, the available evidence is currently insufficient to determine the role of this variant in disease. Therefore, it has been classified as a Variant of Uncertain Significance. Algorithms developed to predict the effect of missense changes on protein structure and function are either unavailable or do not agree on the potential impact of this missense change (SIFT: "Deleterious"; PolyPhen-2: "Probably Damaging"; Align-GVGD: "Class C0"). This variant is not present in population databases (ExAC no frequency). This sequence change replaces valine with methionine at codon 472 of the AMPD2 protein (p.Val472Met). The valine residue is highly conserved and there is a small physicochemical difference between valine and methionine.